The following is an entry in ClinVar:

ClinVar aggregate classification (germline): Uncertain significance (1 of 4 stars; one submission).

Conditions:
Progressive sclerosing poliodystrophy (MTDPS4A). Also called: NEURONAL DEGENERATION OF CHILDHOOD WITH LIVER DISEASE, PROGRESSIVE; Alpers-Huttenlocher Syndrome (AHS); ALPERS PROGRESSIVE INFANTILE POLIODYSTROPHY; Mitochondrial DNA Depletion Syndrome 4A; Alpers Syndrome; ALPERS DIFFUSE DEGENERATION OF CEREBRAL GRAY MATTER WITH HEPATIC CIRRHOSIS. Identifiers: Orphanet 726, MedGen C0205710, MONDO:0008758, OMIM 203700.

Allele frequency attached by ClinVar (database versions not stated): gnomAD exomes below 0.00001.

Submission:

Labcorp Genetics (formerly Invitae), Labcorp
Classification: Uncertain significance for Progressive sclerosing poliodystrophy. Last evaluated: 2020-09-20. Review status: criteria provided, single submitter. Criteria: Invitae Variant Classification Sherloc (09022015). Collection method: clinical testing. Allele origin: germline.
Comment: This sequence change replaces methionine with isoleucine at codon 1163 of the POLG protein (p.Met1163Ile). The methionine residue is moderately conserved and there is a small physicochemical difference between methionine and isoleucine. In summary, the available evidence is currently insufficient to determine the role of this variant in disease. Therefore, it has been classified as a Variant of Uncertain Significance. Algorithms developed to predict the effect of missense changes on protein structure and function (SIFT, PolyPhen-2, Align-GVGD) all suggest that this variant is likely to be tolerated, but these predictions have not been confirmed by published functional studies and their clinical significance is uncertain. This variant has not been reported in the literature in individuals with POLG-related conditions. This variant is not present in population databases (ExAC no frequency).

NM_002693.3(POLG):c.3489G>A (p.Met1163Ile)

Gene: POLG (DNA polymerase gamma, catalytic subunit; minus strand). Cytogenetic location: 15q26.1.
Variant type: single nucleotide variant.
Coding change: c.3489G>A on transcript NM_002693.3 (MANE Select); coding-DNA position 3489, G replaced by A.
Protein change: p.Met1163Ile; replaces methionine 1163 with isoleucine.
Molecular consequence: missense variant.
Genome position (GRCh38, 1-based): chr15:89,317,530, C>T on the plus strand (G>A on the coding strand, the complement: POLG is on the minus strand). VCF-style: chr15-89317530-C-T. GRCh37 (hg19) VCF-style: chr15-89860761-C-T.
Other names: c.3489G>A, p.Met1163Ile (NM_001126131.2); short protein forms M1163I.
Identifiers: ClinVar variation 1045745 (VCV001045745.9), dbSNP rs2055313946, ClinGen allele CA393748185.